The following is an entry in ClinVar:

NM_199420.4(POLQ):c.46G>A (p.Gly16Ser)

Genes: POLQ (DNA polymerase theta; minus strand), LOC112872292 (Sharpr-MPRA regulatory region 30; plus strand). Cytogenetic location: 3q13.33.
Variant type: single nucleotide variant.
Coding change: c.46G>A on transcript NM_199420.4 (MANE Select); coding-DNA position 46, G replaced by A.
Protein change: p.Gly16Ser; replaces glycine 16 with serine.
Molecular consequence: missense variant.
Genome position (GRCh38, 1-based): chr3:121,545,832, C>T on the plus strand (G>A on the coding strand, the complement: POLQ is on the minus strand). VCF-style: chr3-121545832-C-T. GRCh37 (hg19) VCF-style: chr3-121264679-C-T.
Other names: short protein forms G16S.
Identifiers: ClinVar variation 3422384 (VCV003422384.1).

ClinVar aggregate classification (germline): Uncertain significance (1 of 4 stars; one submission).

Submission:

Ambry Genetics
Classification: Uncertain significance. Last evaluated: 2024-10-05. Review status: criteria provided, single submitter. Criteria: Ambry Variant Classification Scheme 2023. Collection method: clinical testing. Allele origin: germline.
Comment: The p.G16S variant (also known as c.46G>A), located in coding exon 1 of the POLQ gene, results from a G to A substitution at nucleotide position 46. The glycine at codon 16 is replaced by serine, an amino acid with similar properties. This amino acid position is conserved. In addition, this alteration is predicted to be tolerated by in silico analysis. Based on the available evidence, the clinical significance of this variant remains unclear.